The following is an entry in ClinVar:

ClinVar aggregate classification (germline): Conflicting classifications of pathogenicity. Review status: criteria provided, conflicting classifications (1 of 4 stars). 4 submissions from 4 submitters: Uncertain significance (2); Benign (1); Likely benign (1). Last evaluated 2025-03-22.

Conditions:
PRKG1-related disorder. Also called: PRKG1-related condition.
Aortic aneurysm, familial thoracic 8 (AAT8). Identifiers: MedGen C3809513, MONDO:0014187, OMIM 615436.
Familial thoracic aortic aneurysm and aortic dissection (TAAD). Also called: Thoracic aortic aneurysms and dissections. Identifiers: Orphanet 91387, MedGen C4707243, MONDO:0019625.

Allele frequency attached by ClinVar (database versions not stated): TOPMed 0.00003.
gnomAD v4.1: 9 of 1,529,686 alleles (0.00059%); highest among the groups gnomAD compares: East Asian, 0.018%; no homozygotes.

Submissions (4):

Labcorp Genetics (formerly Invitae), Labcorp
Classification: Uncertain significance for Aortic aneurysm, familial thoracic 8. Last evaluated: 2025-03-22. Review status: criteria provided, single submitter. Criteria: Invitae Variant Classification Sherloc (09022015). Collection method: clinical testing. Allele origin: germline.
Comment: This sequence change falls in intron 4 of the PRKG1 gene. It does not directly change the encoded amino acid sequence of the PRKG1 protein. It affects a nucleotide within the consensus splice site. This variant is present in population databases (rs374166820, gnomAD 0.06%). This variant has not been reported in the literature in individuals affected with PRKG1-related conditions. ClinVar contains an entry for this variant (Variation ID: 1003881). Variants that disrupt the consensus splice site are a relatively common cause of aberrant splicing (PMID: 17576681, 9536098). Algorithms developed to predict the effect of sequence changes on RNA splicing suggest that this variant is not likely to affect RNA splicing. In summary, the available evidence is currently insufficient to determine the role of this variant in disease. Therefore, it has been classified as a Variant of Uncertain Significance.

PreventionGenetics, part of Exact Sciences
Classification: Likely benign for PRKG1-related condition. Last evaluated: 2024-11-21. Review status: criteria provided, single submitter. Criteria: ACMG Guidelines, 2015. Collection method: clinical testing. Allele origin: germline.
Comment: This variant is classified as likely benign based on ACMG/AMP sequence variant interpretation guidelines (Richards et al. 2015 PMID: 25741868, with internal and published modifications).

Women's Health and Genetics/Laboratory Corporation of America, LabCorp
Classification: Benign. Last evaluated: 2024-06-30. Review status: criteria provided, single submitter. Criteria: LabCorp Variant Classification Summary - May 2015. Collection method: clinical testing. Allele origin: germline.

Ambry Genetics
Classification: Uncertain significance for Familial thoracic aortic aneurysm and aortic dissection. Last evaluated: 2023-12-04. Review status: criteria provided, single submitter. Criteria: Ambry Variant Classification Scheme 2023. Collection method: clinical testing. Allele origin: germline.
Comment: The c.698+4G>A intronic variant results from a G to A substitution 4 nucleotides after coding exon 4 in the PRKG1 gene. This nucleotide position is not well conserved in available vertebrate species. In silico splice site analysis predicts that this alteration will not have any significant effect on splicing. Since supporting evidence is limited at this time, the clinical significance of this alteration remains unclear.

Literature cited by the submitters: PubMed 17576681 (cited by Labcorp Genetics (formerly Invitae), Labcorp); PubMed 9536098 (cited by Labcorp Genetics (formerly Invitae), Labcorp).

NM_006258.4(PRKG1):c.698+4G>A

Gene: PRKG1 (protein kinase cGMP-dependent 1; plus strand). Cytogenetic location: 10q21.1.
Variant type: single nucleotide variant.
Coding change: c.698+4G>A on transcript NM_006258.4 (MANE Select); 4 bases into the intron after coding-DNA position 698, G replaced by A.
Molecular consequence: intron variant.
Genome position (GRCh38, 1-based): chr10:51,804,694, G>A. VCF-style: chr10-51804694-G-A. GRCh37 (hg19) VCF-style: chr10-53564454-G-A.
Other names: c.653+4G>A (NM_001098512.3); c.698+4G>A (NM_001374782.1, NM_006258.3).
Identifiers: ClinVar variation 1003881 (VCV001003881.7), dbSNP rs374166820, ClinGen allele CA5503568.